The following is an entry in ClinVar:

ClinVar aggregate classification (germline): Conflicting classifications of pathogenicity. Review status: criteria provided, conflicting classifications (1 of 4 stars). 9 submissions from 9 submitters: Uncertain significance (2); Benign (1); Likely benign (5). 1 of the submissions does not count toward it. Last evaluated 2026-01-13.

Conditions:
RAI1-related disorder. Also called: RAI1-related condition.
Inborn genetic diseases. Identifiers: MedGen C0950123, MeSH D030342.

Allele frequency attached by ClinVar (database versions not stated): gnomAD 0.00014 and 0.00016; ESP Exome Variant Server 0.00015; ExAC 0.00018; TOPMed 0.00020; 1000 Genomes Project 30x 0.00016; gnomAD exomes 0.00021; 1000 Genomes Project 0.00020.
gnomAD v4.1: 237 of 1,613,876 alleles (0.015%); highest among the groups gnomAD compares: Middle Eastern, 0.28%; no homozygotes.

Submissions (9):

Labcorp Genetics (formerly Invitae), Labcorp
Classification: Likely benign. Last evaluated: 2026-01-13. Review status: criteria provided, single submitter. Criteria: Invitae Variant Classification Sherloc (09022015). Collection method: clinical testing. Allele origin: germline.

Blueprint Genetics
Classification: Likely benign. Last evaluated: 2024-11-27. Review status: criteria provided, single submitter. Criteria: ACMG Guidelines, 2015. Collection method: clinical testing. Allele origin: germline.

GeneDx
Classification: Benign. Last evaluated: 2020-01-09. Review status: criteria provided, single submitter. Criteria: GeneDx Variant Classification Process June 2021. Collection method: clinical testing. Allele origin: germline. Affected: yes.
Comment: This variant is associated with the following publications: (PMID: 29458409)

Athena Diagnostics
Classification: Likely benign. Last evaluated: 2018-04-13. Review status: criteria provided, single submitter. Criteria: Athena Diagnostics Criteria. Collection method: clinical testing. Allele origin: germline.

Ambry Genetics
Classification: Likely benign for Inborn genetic diseases. Last evaluated: 2017-11-22. Review status: criteria provided, single submitter. Criteria: Ambry Variant Classification Scheme 2023. Collection method: clinical testing. Allele origin: germline.

CeGaT Center for Human Genetics Tuebingen
Classification: Uncertain significance. Last evaluated: 2017-04-01. Review status: criteria provided, single submitter. Criteria: CeGaT Center For Human Genetics Tuebingen Variant Classification Criteria Version 2. Collection method: clinical testing. Allele origin: germline. Affected: yes. Observed: 1 variant allele.

Center for Pediatric Genomic Medicine, Children's Mercy Hospital and Clinics
Classification: Likely benign. Last evaluated: 2016-10-13. Review status: criteria provided, single submitter. Criteria: ACMG Guidelines, 2015. Collection method: clinical testing. Allele origin: germline.
ClinVar note: Converted during submission from Likely Benign to Likely benign.

Eurofins Ntd Llc (ga)
Classification: Uncertain significance. Last evaluated: 2013-04-26. Review status: criteria provided, single submitter. Criteria: EGL Classification Definitions 2015. Collection method: clinical testing. Allele origin: germline. Observed: 2 variant alleles, 2 heterozygotes.

PreventionGenetics, part of Exact Sciences
Classification: Likely benign for RAI1-related condition. Last evaluated: 2020-11-04. Review status: no assertion criteria provided. Collection method: clinical testing. Allele origin: germline. Not counted in ClinVar's aggregate classification.
Comment: This variant is classified as likely benign based on ACMG/AMP sequence variant interpretation guidelines (Richards et al. 2015 PMID: 25741868, with internal and published modifications).

Literature cited by the submitters: PubMed 29458409 (cited by Athena Diagnostics).

NM_030665.4(RAI1):c.4693G>A (p.Val1565Met)

Gene: RAI1 (retinoic acid induced 1; plus strand). Cytogenetic location: 17p11.2.
Variant type: single nucleotide variant.
Coding change: c.4693G>A on transcript NM_030665.4 (MANE Select); coding-DNA position 4693, G replaced by A.
Protein change: p.Val1565Met; replaces valine 1565 with methionine.
Molecular consequence: missense variant.
Genome position (GRCh38, 1-based): chr17:17,797,641, G>A. VCF-style: chr17-17797641-G-A. GRCh37 (hg19) VCF-style: chr17-17700955-G-A.
Other names: short protein forms V1565M.
Identifiers: ClinVar variation 96193 (VCV000096193.57), dbSNP rs368106957, ClinGen allele CA223809.
Genomic context (GRCh38, chr17:17,797,641, plus strand): 5'-GCCAAGAACACCACCTCTTCACCCTGTAAGGGGCGTGCCAAGCGACGACGACAGCAGCAG[G>A]TGCTGCCCCTGGATCCCGCAGAGCCTGAAATCCGCCTCAAGTACATTTCCTCTTGCAAGC-3'
Protein context (NP_109590.3, residues 1555-1575): GRAKRRRQQQ[Val1565Met]LPLDPAEPEI